The following is an entry in ClinVar:

NM_001267550.2(TTN):c.72410C>A (p.Ser24137Ter)

Genes: TTN-AS1 (TTN antisense RNA 1; plus strand), TTN (titin; minus strand). Cytogenetic location: 2q31.2.
Variant type: single nucleotide variant.
Coding change: c.72410C>A on transcript NM_001267550.2 (MANE Select); coding-DNA position 72410, C replaced by A.
Protein change: p.Ser24137Ter; replaces serine 24137 with a stop codon.
Molecular consequence: nonsense.
Genome position (GRCh38, 1-based): chr2:178,573,722, G>T on the plus strand (C>A on the coding strand, the complement: TTN is on the minus strand). VCF-style: chr2-178573722-G-T. GRCh37 (hg19) VCF-style: chr2-179438449-G-T.
Other names: c.67487C>A, p.Ser22496Ter (NM_001256850.1); c.45215C>A, p.Ser15072Ter (NM_003319.4); c.64706C>A, p.Ser21569Ter (NM_133378.4); c.45590C>A, p.Ser15197Ter (NM_133432.3); c.45791C>A, p.Ser15264Ter (NM_133437.4); short protein forms S15197*, S15264*, S24137*, S21569*, S15072*, S22496*.
Identifiers: ClinVar variation 2951358 (VCV002951358.3), dbSNP rs1709067373, ClinGen allele CA349647314.

ClinVar aggregate classification (germline): Likely pathogenic (1 of 4 stars; one submission).

Conditions:
Dilated cardiomyopathy 1G (CMD1G). Identifiers: Orphanet 154, MedGen C1858763, MONDO:0011400, OMIM 604145.
Autosomal recessive limb-girdle muscular dystrophy type 2J (LGMDR10). Also called: Limb-girdle muscular dystrophy, type 2J; MUSCULAR DYSTROPHY, LIMB-GIRDLE, AUTOSOMAL RECESSIVE 10. Identifiers: Orphanet 140922, MedGen C1837342, MONDO:0012127, OMIM 608807.

Submission:

Labcorp Genetics (formerly Invitae), Labcorp
Classification: Likely pathogenic for Dilated cardiomyopathy 1G; Autosomal recessive limb-girdle muscular dystrophy type 2J. Last evaluated: 2023-08-28. Review status: criteria provided, single submitter. Criteria: Invitae Variant Classification Sherloc (09022015). Collection method: clinical testing. Allele origin: germline.
Comment: This sequence change creates a premature translational stop signal (p.Ser24137*) in the TTN gene. While this is not anticipated to result in nonsense mediated decay, it is expected to create a truncated TTN protein. This variant is not present in population databases (gnomAD no frequency). This variant has not been reported in the literature in individuals affected with TTN-related conditions. This variant is located in the A band of TTN (PMID: 25589632). Truncating variants in this region are significantly overrepresented in patients affected with dilated cardiomyopathy (PMID: 25589632). Truncating variants in this region have also been reported in individuals affected with autosomal recessive centronuclear myopathy (PMID: 23975875). In summary, the currently available evidence indicates that the variant is pathogenic, but additional data are needed to prove that conclusively. Therefore, this variant has been classified as Likely Pathogenic.

Literature cited by the submitters: PubMed 25589632; PubMed 23975875.